The following is an entry in ClinVar:

NM_000036.3(AMPD1):c.328C>G (p.Gln110Glu)

Gene: AMPD1 (adenosine monophosphate deaminase 1; minus strand). Cytogenetic location: 1p13.2.
Variant type: single nucleotide variant.
Coding change: c.328C>G on transcript NM_000036.3 (MANE Select); coding-DNA position 328, C replaced by G.
Protein change: p.Gln110Glu; replaces glutamine 110 with glutamic acid.
Molecular consequence: missense variant.
Genome position (GRCh38, 1-based): chr1:114,686,798, G>C on the plus strand (C>G on the coding strand, the complement: AMPD1 is on the minus strand). VCF-style: chr1-114686798-G-C. GRCh37 (hg19) VCF-style: chr1-115229419-G-C.
Other names: c.316C>G, p.Gln106Glu (NM_001172626.2); short protein forms Q110E, Q106E.
Identifiers: ClinVar variation 1417910 (VCV001417910.6), dbSNP rs1284363894, ClinGen allele CA341753367.
Genomic context (GRCh38, chr1:114,686,798, plus strand): 5'-AACTCACCCCAGAGGCATAGTCACCAGTAATCTGCACTCTCTGAAAATCAGGCACGGTCT[G>C]GTAGGTTGGAGATGAGGAAATGTATTCATCAATGTGGGACAGTTTGGTGGAAGATGTTTC-3'
Protein context (NP_000027.3, residues 100-120): DEYISSSPTY[Gln110Glu]TVPDFQRVQI

ClinVar aggregate classification (germline): Uncertain significance (1 of 4 stars; one submission).

Conditions:
Muscle AMP deaminase deficiency (MMDD). Also called: Adenosine monophosphate deaminase 1 deficiency; AMP deaminase 1 deficiency; Adenosine Monophosphate Deaminase 1; AMPD1 DEFICIENCY; ADENOSINE MONOPHOSPHATE DEAMINASE-1 DEFICIENCY, MYOPATHY DUE TO; Myoadenylate deaminase deficiency, myopathy due to. Identifiers: Orphanet 45, MedGen C3714933, MONDO:0014220, OMIM 615511.

Submission:

Labcorp Genetics (formerly Invitae), Labcorp
Classification: Uncertain significance for Muscle AMP deaminase deficiency. Last evaluated: 2021-09-25. Review status: criteria provided, single submitter. Criteria: Invitae Variant Classification Sherloc (09022015). Collection method: clinical testing. Allele origin: germline.
Comment: Algorithms developed to predict the effect of missense changes on protein structure and function output the following: SIFT: "Tolerated"; PolyPhen-2: "Benign"; Align-GVGD: "Class C0". The glutamic acid amino acid residue is found in multiple mammalian species, which suggests that this missense change does not adversely affect protein function. This variant has not been reported in the literature in individuals affected with AMPD1-related conditions. This variant is not present in population databases (ExAC no frequency). This sequence change replaces glutamine with glutamic acid at codon 143 of the AMPD1 protein (p.Gln143Glu). The glutamine residue is weakly conserved and there is a small physicochemical difference between glutamine and glutamic acid. In summary, the available evidence is currently insufficient to determine the role of this variant in disease. Therefore, it has been classified as a Variant of Uncertain Significance.